The following is an entry in ClinVar:

NM_017780.4(CHD7):c.5017G>A (p.Asp1673Asn)

Gene: CHD7 (chromodomain helicase DNA binding protein 7; plus strand). Cytogenetic location: 8q12.2.
Variant type: single nucleotide variant.
Coding change: c.5017G>A on transcript NM_017780.4 (MANE Select); coding-DNA position 5017, G replaced by A.
Protein change: p.Asp1673Asn; replaces aspartic acid 1673 with asparagine.
Molecular consequence: missense variant. On other transcripts: intron variant (1).
Genome position (GRCh38, 1-based): chr8:60,845,030, G>A. VCF-style: chr8-60845030-G-A. GRCh37 (hg19) VCF-style: chr8-61757589-G-A.
Other names: c.1717-17199G>A (NM_001316690.1); short protein forms D1673N.
Identifiers: ClinVar variation 1329797 (VCV001329797.9), dbSNP rs769563309, ClinGen allele CA4760241.

ClinVar aggregate classification (germline): Conflicting classifications of pathogenicity. Review status: criteria provided, conflicting classifications (1 of 4 stars). 3 submissions from 3 submitters: Uncertain significance (2); Benign (1). Last evaluated 2026-08-01.

Conditions:
CHARGE syndrome (CHARGE). Also called: Hittner Hirsch Kreh syndrome; CHARGE ASSOCIATION--COLOBOMA, HEART ANOMALY, CHOANAL ATRESIA, RETARDATION, GENITAL AND EAR ANOMALIES; Coloboma, heart anomaly, choanal atresia, retardation, genital and ear anomalies; CHARGE association; Hall-Hittner syndrome. Identifiers: Orphanet 138, MedGen C0265354, MONDO:0008965.

Allele frequency attached by ClinVar (database versions not stated): TOPMed 0.00001; ExAC 0.00002; gnomAD 0.00002; gnomAD exomes 0.00002.
gnomAD v4.1: 115 of 1,613,846 alleles (0.0071%); highest among the groups gnomAD compares: Non-Finnish European, 0.0092%; no homozygotes.

Submissions (3):

CeGaT Center for Human Genetics Tuebingen
Classification: Uncertain significance. Last evaluated: 2026-08-01. Review status: criteria provided, single submitter. Criteria: CeGaT Center For Human Genetics Tuebingen Variant Classification Criteria Version 2. Collection method: clinical testing. Allele origin: germline. Affected: yes. Observed: 2 variant alleles.
Comment: CHD7: PP3

Labcorp Genetics (formerly Invitae), Labcorp
Classification: Benign for CHARGE syndrome. Last evaluated: 2025-09-23. Review status: criteria provided, single submitter. Criteria: Invitae Variant Classification Sherloc (09022015). Collection method: clinical testing. Allele origin: germline.

GeneDx
Classification: Uncertain significance. Last evaluated: 2021-12-23. Review status: criteria provided, single submitter. Criteria: GeneDx Variant Classification Process June 2021. Collection method: clinical testing. Allele origin: germline. Affected: yes.
Comment: In silico analysis supports that this missense variant has a deleterious effect on protein structure/function; Has not been previously published as pathogenic or benign germline variant to our knowledge; This variant is associated with the following publications: (PMID: 34572812)